The following is an entry in ClinVar:

NM_005732.4(RAD50):c.3685G>A (p.Ala1229Thr)

Genes: RAD50 (RAD50 double strand break repair protein; plus strand), TH2LCRR (T helper type 2 locus control region associated RNA; minus strand), TH2-LCR (Th2 cytokine locus control region; plus strand). Cytogenetic location: 5q31.1.
Variant type: single nucleotide variant.
Coding change: c.3685G>A on transcript NM_005732.4 (MANE Select); coding-DNA position 3685, G replaced by A.
Protein change: p.Ala1229Thr; replaces alanine 1229 with threonine.
Molecular consequence: missense variant.
Genome position (GRCh38, 1-based): chr5:132,640,738, G>A. VCF-style: chr5-132640738-G-A. GRCh37 (hg19) VCF-style: chr5-131976430-G-A.
Other names: short protein forms A1229T.
Identifiers: ClinVar variation 2122358 (VCV002122358.4), dbSNP rs2149865690, ClinGen allele CA360934283.

ClinVar aggregate classification (germline): Uncertain significance (1 of 4 stars; one submission).

Conditions:
Hereditary cancer-predisposing syndrome. Also called: Hereditary Cancer Syndrome; Tumor predisposition; Neoplastic Syndromes, Hereditary; Hereditary neoplastic syndrome. Identifiers: Orphanet 140162, MedGen C0027672, MeSH D009386, MONDO:0015356.

Submission:

Labcorp Genetics (formerly Invitae), Labcorp
Classification: Uncertain significance for Hereditary cancer-predisposing syndrome. Last evaluated: 2024-04-22. Review status: criteria provided, single submitter. Criteria: Invitae Variant Classification Sherloc (09022015). Collection method: clinical testing. Allele origin: germline.
Comment: This sequence change replaces alanine, which is neutral and non-polar, with threonine, which is neutral and polar, at codon 1229 of the RAD50 protein (p.Ala1229Thr). This variant is not present in population databases (gnomAD no frequency). This variant has not been reported in the literature in individuals affected with RAD50-related conditions. ClinVar contains an entry for this variant (Variation ID: 2122358). Advanced modeling of protein sequence and biophysical properties (such as structural, functional, and spatial information, amino acid conservation, physicochemical variation, residue mobility, and thermodynamic stability) performed at Invitae indicates that this missense variant is not expected to disrupt RAD50 protein function with a negative predictive value of 80%. In summary, the available evidence is currently insufficient to determine the role of this variant in disease. Therefore, it has been classified as a Variant of Uncertain Significance.